The following is an entry in ClinVar:

NM_206933.4(USH2A):c.12685G>A (p.Gly4229Ser)

Gene: USH2A (usherin; minus strand). Cytogenetic location: 1q41.
Variant type: single nucleotide variant.
Coding change: c.12685G>A on transcript NM_206933.4 (MANE Select); coding-DNA position 12685, G replaced by A.
Protein change: p.Gly4229Ser; replaces glycine 4229 with serine.
Molecular consequence: missense variant.
Genome position (GRCh38, 1-based): chr1:215,675,226, C>T on the plus strand (G>A on the coding strand, the complement: USH2A is on the minus strand). VCF-style: chr1-215675226-C-T. GRCh37 (hg19) VCF-style: chr1-215848568-C-T.
Other names: c.12685G>A (NM_206933.2); short protein forms G4229S.
Identifiers: ClinVar variation 1983693 (VCV001983693.3), dbSNP rs755755135, ClinGen allele CA1393424.
Genomic context (GRCh38, chr1:215,675,226, plus strand): 5'-TATGCCCAGCTGAATTCCAAGTGTAGATTTTATATTCACACTGCGTCCATGGTTGCAAAC[C>T]TGTGTCATTATACATAAATGTATTCCTTTCAGTGTTATATTCTGTGAAAACAATTTTCTC-3'
Protein context (NP_996816.3, residues 4219-4239): ERNTFMYNDT[Gly4229Ser]LQPWTQCEYK

ClinVar aggregate classification (germline): Uncertain significance. Review status: criteria provided, multiple submitters, no conflicts (2 of 4 stars). 3 submissions from 3 submitters: Uncertain significance (3). Last evaluated 2025-08-12.

Allele frequency attached by ClinVar (database versions not stated): gnomAD 0.00001; ExAC 0.00002; TOPMed 0.00002.
gnomAD v4.1: 59 of 1,614,016 alleles (0.0037%); highest among the groups gnomAD compares: Middle Eastern, 0.016%; no homozygotes.

Submissions (3):

GeneDx
Classification: Uncertain significance. Last evaluated: 2025-08-12. Review status: criteria provided, single submitter. Criteria: GeneDx Variant Classification Process June 2021. Collection method: clinical testing. Allele origin: germline. Affected: yes.
Comment: Not observed at significant frequency in large population cohorts (gnomAD); In silico analysis suggests that this missense variant does not alter protein structure/function; Has not been previously published as pathogenic or benign to our knowledge

Blueprint Genetics
Classification: Uncertain significance. Last evaluated: 2023-10-30. Review status: criteria provided, single submitter. Criteria: ACMG Guidelines, 2015. Collection method: clinical testing. Allele origin: germline.

Labcorp Genetics (formerly Invitae), Labcorp
Classification: Uncertain significance. Last evaluated: 2022-05-12. Review status: criteria provided, single submitter. Criteria: Invitae Variant Classification Sherloc (09022015). Collection method: clinical testing. Allele origin: germline.
Comment: This sequence change replaces glycine, which is neutral and non-polar, with serine, which is neutral and polar, at codon 4229 of the USH2A protein (p.Gly4229Ser). This variant is present in population databases (rs755755135, gnomAD 0.003%). This variant has not been reported in the literature in individuals affected with USH2A-related conditions. Algorithms developed to predict the effect of missense changes on protein structure and function (SIFT, PolyPhen-2, Align-GVGD) all suggest that this variant is likely to be disruptive. In summary, the available evidence is currently insufficient to determine the role of this variant in disease. Therefore, it has been classified as a Variant of Uncertain Significance.